The following is an entry in ClinVar:

ClinVar aggregate classification (germline): Uncertain significance. Review status: criteria provided, multiple submitters, no conflicts (2 of 4 stars). 2 submissions from 2 submitters: Uncertain significance (2). Last evaluated 2024-07-04.

gnomAD v4.1: 59 of 694,024 alleles (0.0085%); highest among the groups gnomAD compares: Admixed American, 0.024%; no homozygotes.

Submissions (2):

Blueprint Genetics
Classification: Uncertain significance. Last evaluated: 2024-07-04. Review status: criteria provided, single submitter. Criteria: ACMG Guidelines, 2015. Collection method: clinical testing. Allele origin: germline.

Labcorp Genetics (formerly Invitae), Labcorp
Classification: Uncertain significance. Last evaluated: 2022-07-25. Review status: criteria provided, single submitter. Criteria: Invitae Variant Classification Sherloc (09022015). Collection method: clinical testing. Allele origin: germline.
Comment: This variant occurs in the RNU4ATAC gene, which encodes an RNA molecule that does not result in a protein product. This variant is present in population databases (rs543891782, gnomAD 0.03%). This variant has not been reported in the literature in individuals affected with RNU4ATAC-related conditions. ClinVar contains an entry for this variant (Variation ID: 1382974). Experimental studies and prediction algorithms are not available or were not evaluated, and the functional significance of this variant is currently unknown. In summary, the available evidence is currently insufficient to determine the role of this variant in disease. Therefore, it has been classified as a Variant of Uncertain Significance.

NC_000002.12:g.121530894T>G

Genes: CLASP1 (cytoplasmic linker associated protein 1; minus strand), CLASP1-AS1 (CLASP1 antisense RNA 1; plus strand), RNU4ATAC (RNA, U4atac small nuclear; plus strand). Cytogenetic location: 2q14.2.
Variant type: single nucleotide variant.
Molecular consequence: intron variant (on NM_001395891.1).
Genome position: GRCh38 VCF-style: chr2-121530894-T-G. GRCh37 (hg19) VCF-style: chr2-122288470-T-G.
Other names: c.196-569A>C (NM_001142274.2, NM_015282.3, NM_001378003.1 and 5 more transcripts).
Identifiers: ClinVar variation 1382974 (VCV001382974.4), dbSNP rs543891782, ClinGen allele CA54810772.